The following is an entry in ClinVar:

ClinVar aggregate classification (germline): Uncertain significance. Review status: criteria provided, multiple submitters, no conflicts (2 of 4 stars). 2 submissions from 2 submitters: Uncertain significance (2). Last evaluated 2021-04-23.

Conditions:
Alstrom syndrome (ALMS). Identifiers: Orphanet 64, MedGen C0268425, MONDO:0008763, OMIM 203800.
Cardiovascular phenotype. Identifiers: MedGen CN230736.

Allele frequency attached by ClinVar (database versions not stated): TOPMed below 0.00001.

Submissions (2):

Ambry Genetics
Classification: Uncertain significance for Cardiovascular phenotype. Last evaluated: 2021-04-23. Review status: criteria provided, single submitter. Criteria: Ambry Variant Classification Scheme 2023. Collection method: clinical testing. Allele origin: germline.
Comment: The p.E1025D variant (also known as c.3075A>C), located in coding exon 8 of the ALMS1 gene, results from an A to C substitution at nucleotide position 3075. The glutamic acid at codon 1025 is replaced by aspartic acid, an amino acid with highly similar properties. This amino acid position is well conserved in available vertebrate species; however, aspartic acid is the reference amino acid in other vertebrate species. In addition, this alteration is predicted to be tolerated by in silico analysis. Since supporting evidence is limited at this time, the clinical significance of this alteration remains unclear.

Labcorp Genetics (formerly Invitae), Labcorp
Classification: Uncertain significance for Alstrom syndrome. Last evaluated: 2019-11-26. Review status: criteria provided, single submitter. Criteria: Invitae Variant Classification Sherloc (09022015). Collection method: clinical testing. Allele origin: germline.
Comment: In summary, the available evidence is currently insufficient to determine the role of this variant in disease. Therefore, it has been classified as a Variant of Uncertain Significance. Experimental studies and prediction algorithms are not available or were not evaluated, and the functional significance of this variant is currently unknown. This variant has not been reported in the literature in individuals with ALMS1-related conditions. This variant is not present in population databases (ExAC no frequency). This sequence change replaces glutamic acid with aspartic acid at codon 1025 of the ALMS1 protein (p.Glu1025Asp). The glutamic acid residue is weakly conserved and there is a small physicochemical difference between glutamic acid and aspartic acid.

NM_001378454.1(ALMS1):c.3072A>C (p.Glu1024Asp)

Gene: ALMS1 (ALMS1 centrosome and basal body associated protein; plus strand). Cytogenetic location: 2p13.1.
Variant type: single nucleotide variant.
Coding change: c.3072A>C on transcript NM_001378454.1 (MANE Select); coding-DNA position 3072, A replaced by C.
Protein change: p.Glu1024Asp; replaces glutamic acid 1024 with aspartic acid.
Molecular consequence: missense variant.
Genome position (GRCh38, 1-based): chr2:73,449,599, A>C. VCF-style: chr2-73449599-A-C. GRCh37 (hg19) VCF-style: chr2-73676726-A-C.
Other names: c.3075A>C, p.Glu1025Asp (NM_015120.4); short protein forms E1025D, E1024D.
Identifiers: ClinVar variation 845133 (VCV000845133.10), dbSNP rs1671884089, ClinGen allele CA347273688.
Genomic context (GRCh38, chr2:73,449,599, plus strand): 5'-ACATAGAGAGAAGCCCAGTATTTTCTATCAACAGGAGTGGCCAGATAGTTATGCAACTGA[A>C]AAGGCTCTGAAAGTTTCAACTGGCCCTGGACCAGCTGACCAGAAGACTGAGATACCAGCA-3'
Protein context (NP_001365383.1, residues 1014-1034): QQEWPDSYAT[Glu1024Asp]KALKVSTGPG